The following is an entry in ClinVar:

NM_152383.5(DIS3L2):c.879T>G (p.Pro293=)

Gene: DIS3L2 (DIS3 like 3'-5' exoribonuclease 2; plus strand). Cytogenetic location: 2q37.1.
Variant type: single nucleotide variant.
Coding change: c.879T>G on transcript NM_152383.5 (MANE Select); coding-DNA position 879, T replaced by G.
Protein change: p.Pro293=; no amino-acid change (proline 293 retained).
Molecular consequence: synonymous variant. On other transcripts: non-coding transcript variant (1).
Genome position (GRCh38, 1-based): chr2:232,136,648, T>G. VCF-style: chr2-232136648-T-G. GRCh37 (hg19) VCF-style: chr2-233001358-T-G.
Other names: c.879T>G, p.Pro293= (NM_001257281.2).
Identifiers: ClinVar variation 4085702 (VCV004085702.8).

ClinVar aggregate classification (germline): Likely benign (1 of 4 stars; one submission).

Submission:

CeGaT Center for Human Genetics Tuebingen
Classification: Likely benign. Last evaluated: 2025-08-01. Review status: criteria provided, single submitter. Criteria: CeGaT Center For Human Genetics Tuebingen Variant Classification Criteria Version 2. Collection method: clinical testing. Allele origin: germline. Affected: yes. Observed: 1 variant allele.
Comment: DIS3L2: PM2:Supporting, BP4, BP7